The following is an entry in ClinVar:

NM_005732.4(RAD50):c.1753A>G (p.Lys585Glu)

Gene: RAD50 (RAD50 double strand break repair protein; plus strand). Cytogenetic location: 5q31.1.
Variant type: single nucleotide variant.
Coding change: c.1753A>G on transcript NM_005732.4 (MANE Select); coding-DNA position 1753, A replaced by G.
Protein change: p.Lys585Glu; replaces lysine 585 with glutamic acid.
Molecular consequence: missense variant.
Genome position (GRCh38, 1-based): chr5:132,591,994, A>G. VCF-style: chr5-132591994-A-G. GRCh37 (hg19) VCF-style: chr5-131927686-A-G.
Other names: short protein forms K585E.
Identifiers: ClinVar variation 820006 (VCV000820006.4), dbSNP rs1580994953, ClinGen allele CA360946643.
Genomic context (GRCh38, chr5:132,591,994, plus strand): 5'-TCACTGTTGGGATATTTTCCCAACAAAAAACAGCTTGAAGACTGGCTACATAGTAAATCA[A>G]AAGAAATTAATCAGACCAGGGACAGACTTGCCAAATTGAAGTAAGTTGCAACATTTGGAG-3'
Protein context (NP_005723.2, residues 575-595): QLEDWLHSKS[Lys585Glu]EINQTRDRLA

ClinVar aggregate classification (germline): Uncertain significance (1 of 4 stars; one submission).

Conditions:
Hereditary cancer-predisposing syndrome. Also called: Neoplastic Syndromes, Hereditary; Tumor predisposition; Hereditary Cancer Syndrome; Hereditary neoplastic syndrome. Identifiers: Orphanet 140162, MedGen C0027672, MeSH D009386, MONDO:0015356.

Submission:

Ambry Genetics
Classification: Uncertain significance for Hereditary cancer-predisposing syndrome. Last evaluated: 2019-08-29. Review status: criteria provided, single submitter. Criteria: Ambry Variant Classification Scheme 2023. Collection method: clinical testing. Allele origin: germline.
Comment: The p.K585E variant (also known as c.1753A>G), located in coding exon 11 of the RAD50 gene, results from an A to G substitution at nucleotide position 1753. The lysine at codon 585 is replaced by glutamic acid, an amino acid with similar properties. This amino acid position is well conserved in available vertebrate species. In addition, the in silico prediction for this alteration is inconclusive. Since supporting evidence is limited at this time, the clinical significance of this alteration remains unclear.